The following is an entry in ClinVar:

ClinVar aggregate classification (germline): Uncertain significance (1 of 4 stars; one submission).

Conditions:
Cardiovascular phenotype. Identifiers: MedGen CN230736.
Hereditary cancer-predisposing syndrome. Also called: Neoplastic Syndromes, Hereditary; Tumor predisposition; Hereditary Cancer Syndrome; Hereditary neoplastic syndrome. Identifiers: Orphanet 140162, MedGen C0027672, MeSH D009386, MONDO:0015356.

Submission:

Ambry Genetics
Classification: Uncertain significance for Cardiovascular phenotype; Hereditary cancer-predisposing syndrome. Last evaluated: 2022-07-14. Review status: criteria provided, single submitter. Criteria: Ambry Variant Classification Scheme 2023. Collection method: clinical testing. Allele origin: germline.
Comment: The p.G2169V variant (also known as c.6506G>T), located in coding exon 42 of the NF1 gene, results from a G to T substitution at nucleotide position 6506. The glycine at codon 2169 is replaced by valine, an amino acid with dissimilar properties. This amino acid position is conserved. In addition, the in silico prediction for this alteration is inconclusive. Since supporting evidence is limited at this time, the clinical significance of this alteration remains unclear.

NM_001042492.3(NF1):c.6569G>T (p.Gly2190Val)

Gene: NF1 (neurofibromin 1; plus strand). Cytogenetic location: 17q11.2.
Variant type: single nucleotide variant.
Coding change: c.6569G>T on transcript NM_001042492.3 (MANE Select); coding-DNA position 6569, G replaced by T.
Protein change: p.Gly2190Val; replaces glycine 2190 with valine.
Molecular consequence: missense variant.
Genome position (GRCh38, 1-based): chr17:31,337,509, G>T. VCF-style: chr17-31337509-G-T. GRCh37 (hg19) VCF-style: chr17-29664527-G-T.
Other names: c.6506G>T, p.Gly2169Val (NM_000267.4); short protein forms G2169V, G2190V.
Identifiers: ClinVar variation 1753935 (VCV001753935.2), dbSNP rs2151556416, ClinGen allele CA399013301.